The following is an entry in ClinVar:

NM_182493.3(MYLK3):c.1929G>T (p.Leu643Phe)

Gene: MYLK3 (myosin light chain kinase 3; minus strand). Cytogenetic location: 16q11.2.
Variant type: single nucleotide variant.
Coding change: c.1929G>T on transcript NM_182493.3 (MANE Select); coding-DNA position 1929, G replaced by T.
Protein change: p.Leu643Phe; replaces leucine 643 with phenylalanine.
Molecular consequence: missense variant.
Genome position (GRCh38, 1-based): chr16:46,721,179, C>A on the plus strand (G>T on the coding strand, the complement: MYLK3 is on the minus strand). VCF-style: chr16-46721179-C-A. GRCh37 (hg19) VCF-style: chr16-46755091-C-A.
Other names: c.906G>T, p.Leu302Phe (NM_001308301.1); short protein forms L302F, L643F.
Identifiers: ClinVar variation 2826735 (VCV002826735.3), dbSNP rs776162783, ClinGen allele CA395789151.
Genomic context (GRCh38, chr16:46,721,179, plus strand): 5'-TTACCTTCTGGCCAGCCCAAAGTCAATGATCTTAATTTGATGTCCTGTCTGATTGACGCA[C>A]AATATGTTCTCCGGCTGGGAAAGAAAGAAGTCTGCTTAGCCCAAGCAATAGCTGAGGAGG-3'
Protein context (NP_872299.2, residues 633-653): LHLDLKPENI[Leu643Phe]CVNQTGHQIK

ClinVar aggregate classification (germline): Uncertain significance (1 of 4 stars; one submission).

Submission:

Labcorp Genetics (formerly Invitae), Labcorp
Classification: Uncertain significance. Last evaluated: 2023-01-07. Review status: criteria provided, single submitter. Criteria: Invitae Variant Classification Sherloc (09022015). Collection method: clinical testing. Allele origin: germline.
Comment: In summary, the available evidence is currently insufficient to determine the role of this variant in disease. Therefore, it has been classified as a Variant of Uncertain Significance. Algorithms developed to predict the effect of missense changes on protein structure and function are either unavailable or do not agree on the potential impact of this missense change (SIFT: "Deleterious"; PolyPhen-2: "Probably Damaging"; Align-GVGD: "Class C0"). This variant has not been reported in the literature in individuals affected with MYLK3-related conditions. This variant is not present in population databases (gnomAD no frequency). This sequence change replaces leucine, which is neutral and non-polar, with phenylalanine, which is neutral and non-polar, at codon 643 of the MYLK3 protein (p.Leu643Phe).